The following is an entry in ClinVar:

NM_002857.4(PEX19):c.302T>G (p.Leu101Arg)

Gene: PEX19 (peroxisomal biogenesis factor 19; minus strand). Cytogenetic location: 1q23.2.
Variant type: single nucleotide variant.
Coding change: c.302T>G on transcript NM_002857.4 (MANE Select); coding-DNA position 302, T replaced by G.
Protein change: p.Leu101Arg; replaces leucine 101 with arginine.
Molecular consequence: missense variant. On other transcripts: non-coding transcript variant (2).
Genome position (GRCh38, 1-based): chr1:160,282,988, A>C on the plus strand (T>G on the coding strand, the complement: PEX19 is on the minus strand). VCF-style: chr1-160282988-A-C. GRCh37 (hg19) VCF-style: chr1-160252778-A-C.
Other names: c.302T>G, p.Leu101Arg (NM_001193644.1); short protein forms L101R.
Identifiers: ClinVar variation 1912104 (VCV001912104.5), dbSNP rs1657839834, ClinGen allele CA343262976.

ClinVar aggregate classification (germline): Uncertain significance (1 of 4 stars; one submission).

Conditions:
Peroxisome biogenesis disorder 12A (Zellweger). Also called: Peroxisome biogenesis disorder 12A. Identifiers: Orphanet 912, MedGen C3554002, MONDO:0013951, OMIM 614886.

Allele frequency attached by ClinVar (database versions not stated): TOPMed below 0.00001.

Submission:

Labcorp Genetics (formerly Invitae), Labcorp
Classification: Uncertain significance for Peroxisome biogenesis disorder 12A (Zellweger). Last evaluated: 2022-03-22. Review status: criteria provided, single submitter. Criteria: Invitae Variant Classification Sherloc (09022015). Collection method: clinical testing. Allele origin: germline.
Comment: In summary, the available evidence is currently insufficient to determine the role of this variant in disease. Therefore, it has been classified as a Variant of Uncertain Significance. Algorithms developed to predict the effect of missense changes on protein structure and function are either unavailable or do not agree on the potential impact of this missense change (SIFT: "Deleterious"; PolyPhen-2: "Probably Damaging"; Align-GVGD: "Class C0"). This variant has not been reported in the literature in individuals affected with PEX19-related conditions. This variant is not present in population databases (gnomAD no frequency). This sequence change replaces leucine, which is neutral and non-polar, with arginine, which is basic and polar, at codon 101 of the PEX19 protein (p.Leu101Arg).